The following is an entry in ClinVar:

ClinVar aggregate classification (germline): Benign/Likely benign. Review status: criteria provided, multiple submitters, no conflicts (2 of 4 stars). 19 submissions from 16 submitters: Benign (10); Likely benign (9). Last evaluated 2026-09-01.

Conditions:
Multiple endocrine neoplasia. Identifiers: Orphanet 276161, MedGen C0027662, MONDO:0017169.
Hereditary cancer-predisposing syndrome. Also called: Tumor predisposition; Hereditary neoplastic syndrome; Neoplastic Syndromes, Hereditary; Hereditary Cancer Syndrome. Identifiers: Orphanet 140162, MedGen C0027672, MeSH D009386, MONDO:0015356.
Multiple endocrine neoplasia, type 2 (MEN2). Identifiers: Orphanet 653, MedGen C4048306, MONDO:0019003. Disease mechanism: gain of function.
Hirschsprung disease, susceptibility to, 1 (HSCR1). Also called: RET-Related Hirschsprung Disease. Identifiers: Orphanet 388, MedGen C3888239, MONDO:0007723, OMIM 142623.
Multiple endocrine neoplasia type 2A. Also called: MULTIPLE ENDOCRINE NEOPLASIA, TYPE IIA; PTC SYNDROME; SIPPLE SYNDROME; MEN 2A; MEN-2A syndrome; Pheochromocytoma and amyloid producing medullary thyroid carcinoma. Identifiers: Orphanet 247698, Orphanet 653, MedGen C0025268, MeSH D018813, MONDO:0008234, OMIM 171400.
Pheochromocytoma. Also called: MAX-Related Hereditary Paraganglioma-Pheochromocytoma Syndrome. Identifiers: Orphanet 29072, MedGen C0031511, MONDO:0008233, OMIM 171300, HP:0002666.
Renal hypodysplasia/aplasia 1 (RHDA1). Also called: HEREDITARY RENAL APLASIA; RENAL APLASIA. Identifiers: Orphanet 411709, MedGen C1619700, MONDO:0024519, OMIM 191830.

Allele frequency attached by ClinVar (database versions not stated): ESP Exome Variant Server 0.00008; gnomAD 0.00023 and 0.00024; TOPMed 0.00060; ExAC 0.00073; gnomAD exomes 0.00105.
gnomAD v4.1: 376 of 1,612,050 alleles (0.023%); highest among the groups gnomAD compares: Admixed American, 0.56%; 4 homozygotes.

Submissions (19):

CeGaT Center for Human Genetics Tuebingen
Classification: Likely benign. Last evaluated: 2026-09-01. Review status: criteria provided, single submitter. Criteria: CeGaT Center For Human Genetics Tuebingen Variant Classification Criteria Version 2. Collection method: clinical testing. Allele origin: germline. Affected: yes. Observed: 13 variant alleles.
Comment: RET: BP4, BP7, BS1

Women's Health and Genetics/Laboratory Corporation of America, LabCorp
Classification: Benign. Last evaluated: 2026-02-06. Review status: criteria provided, single submitter. Criteria: LabCorp Variant Classification Summary - May 2015. Collection method: clinical testing. Allele origin: germline.

Labcorp Genetics (formerly Invitae), Labcorp
Classification: Benign for Multiple endocrine neoplasia, type 2. Last evaluated: 2026-02-03. Review status: criteria provided, single submitter. Criteria: Invitae Variant Classification Sherloc (09022015). Collection method: clinical testing. Allele origin: germline.

Mayo Clinic Laboratories, Mayo Clinic
Classification: Likely benign. Last evaluated: 2025-05-14. Review status: criteria provided, single submitter. Criteria: ACMG Guidelines, 2015. Collection method: clinical testing. Allele origin: germline. Observed: 2 variant alleles.

Myriad Genetics, Inc.
Classification: Benign for Multiple endocrine neoplasia type 2A. Last evaluated: 2025-02-26. Review status: criteria provided, single submitter. Criteria: Myriad Autosomal Dominant, Autosomal Recessive and X-Linked Classification Criteria (2023). Collection method: clinical testing. Allele origin: unknown.
Comment: This variant is considered benign. This variant is a silent/synonymous amino acid change and it is not expected to impact splicing.

Blueprint Genetics
Classification: Likely benign. Last evaluated: 2024-10-02. Review status: criteria provided, single submitter. Criteria: ACMG Guidelines, 2015. Collection method: clinical testing. Allele origin: germline.

All of Us Research Program, National Institutes of Health
Classification: Benign for Multiple endocrine neoplasia, type 2. Last evaluated: 2024-02-05. Review status: criteria provided, single submitter. Criteria: ACMG Guidelines, 2015. Collection method: clinical testing. Allele origin: germline. Inheritance: Autosomal dominant inheritance. Observed: 125 variant alleles, 123 heterozygotes, 2 homozygotes.
Comment: This study involves interpretation of variants in research participants for the purpose of population health screening. Participant phenotype was not available at the time of variant classification. Additional details can be found in publication PMID: 35346344, PMCID: PMC8962531

Color Diagnostics, LLC DBA Color Health
Classification: Benign for Multiple endocrine neoplasia, type 2. Last evaluated: 2022-08-17. Review status: criteria provided, single submitter. Criteria: ACMG Guidelines, 2015. Collection method: clinical testing. Allele origin: germline.

GeneDx
Classification: Likely benign. Last evaluated: 2021-10-27. Review status: criteria provided, single submitter. Criteria: GeneDx Variant Classification Process June 2021. Collection method: clinical testing. Allele origin: germline. Affected: yes.
Comment: This variant is associated with the following publications: (PMID: 28009299)

Sema4
Classification: Benign for Hereditary cancer-predisposing syndrome. Last evaluated: 2021-05-06. Review status: criteria provided, single submitter. Criteria: Sema4 Curation Guidelines. Collection method: curation. Allele origin: germline.

Quest Diagnostics Nichols Institute San Juan Capistrano
Classification: Benign. Last evaluated: 2020-09-04. Review status: criteria provided, single submitter. Criteria: Quest Diagnostics criteria. Collection method: clinical testing. Allele origin: unknown.

Genetic Services Laboratory, University of Chicago
Classification: Benign. Last evaluated: 2020-03-05. Review status: criteria provided, single submitter. Criteria: ACMG Guidelines, 2015. Collection method: clinical testing. Allele origin: germline. Affected: no.

ARUP Laboratories, Molecular Genetics and Genomics, ARUP Laboratories
Classification: Benign. Last evaluated: 2018-12-28. Review status: criteria provided, single submitter. Criteria: ARUP Molecular Germline Variant Investigation Process. Collection method: clinical testing. Allele origin: germline.

Illumina Laboratory Services, Illumina
Classification: Likely benign for Multiple endocrine neoplasia. Last evaluated: 2018-04-25. Review status: criteria provided, single submitter. Criteria: ICSL Variant Classification Criteria 13 December 2019. Collection method: clinical testing. Allele origin: germline.
Comment: This variant was observed as part of a predisposition screen in an ostensibly healthy population. A literature search was performed for the gene, cDNA change, and amino acid change (where applicable). No publications were found based on this search. Allele frequency data from public databases allowed determination this variant is unlikely to cause disease. Therefore, this variant is classified as likely benign.

Illumina Laboratory Services, Illumina
Classification: Likely benign for Hirschsprung disease, susceptibility to, 1. Last evaluated: 2018-04-25. Review status: criteria provided, single submitter. Criteria: ICSL Variant Classification Criteria 13 December 2019. Collection method: clinical testing. Allele origin: germline.
Comment: the same text as in the submission from Illumina Laboratory Services, Illumina above.

Illumina Laboratory Services, Illumina
Classification: Likely benign for Pheochromocytoma. Last evaluated: 2018-04-25. Review status: criteria provided, single submitter. Criteria: ICSL Variant Classification Criteria 13 December 2019. Collection method: clinical testing. Allele origin: germline.
Comment: the same text as in the submission from Illumina Laboratory Services, Illumina above.

Illumina Laboratory Services, Illumina
Classification: Likely benign for Renal hypodysplasia/aplasia 1. Last evaluated: 2018-04-25. Review status: criteria provided, single submitter. Criteria: ICSL Variant Classification Criteria 13 December 2019. Collection method: clinical testing. Allele origin: germline.
Comment: the same text as in the submission from Illumina Laboratory Services, Illumina above.

PreventionGenetics, part of Exact Sciences
Classification: Benign. Last evaluated: 2017-01-13. Review status: criteria provided, single submitter. Criteria: ACMG Guidelines, 2015. Collection method: clinical testing. Allele origin: germline.

Ambry Genetics
Classification: Likely benign for Hereditary cancer-predisposing syndrome. Last evaluated: 2015-04-13. Review status: criteria provided, single submitter. Criteria: Ambry Variant Classification Scheme 2023. Collection method: clinical testing. Allele origin: germline.

NM_020975.6(RET):c.2088G>A (p.Ser696=)

Gene: RET (ret proto-oncogene; plus strand). Cytogenetic location: 10q11.21.
Variant type: single nucleotide variant.
Coding change: c.2088G>A on transcript NM_020975.6 (MANE Select); coding-DNA position 2088, G replaced by A.
Protein change: p.Ser696=; no amino-acid change (serine 696 retained).
Molecular consequence: synonymous variant.
Genome position (GRCh38, 1-based): chr10:43,114,688, G>A. VCF-style: chr10-43114688-G-A. GRCh37 (hg19) VCF-style: chr10-43610136-G-A.
Other names: p.Ser696=; c.2088G>A, p.Ser696= (NM_000323.2, NM_001406743.1, NM_001406744.1 and 4 more transcripts); c.1326G>A, p.Ser442= (NM_001355216.2); c.1959G>A, p.Ser653= (NM_001406761.1, NM_001406762.1, NM_001406764.1); c.1953G>A, p.Ser651= (NM_001406763.1, NM_001406765.1); c.1800G>A, p.Ser600= (NM_001406766.1, NM_001406767.1, NM_001406770.1); c.1824G>A, p.Ser608= (NM_001406768.1); c.1692G>A, p.Ser564= (NM_001406769.1, NM_001406772.1); and 11 more.
Identifiers: ClinVar variation 215530 (VCV000215530.40), dbSNP rs150329150, ClinGen allele CA037297.